The following is an entry in ClinVar:

ClinVar aggregate classification (germline): Uncertain significance (1 of 4 stars; one submission).

gnomAD v4.1: 17 of 1,614,046 alleles (0.0011%); highest among the groups gnomAD compares: Middle Eastern, 0.016%; no homozygotes.

Submission:

Labcorp Genetics (formerly Invitae), Labcorp
Classification: Uncertain significance. Last evaluated: 2025-12-15. Review status: criteria provided, single submitter. Criteria: Invitae Variant Classification Sherloc (09022015). Collection method: clinical testing. Allele origin: germline.
Comment: This sequence change replaces proline, which is neutral and non-polar, with threonine, which is neutral and polar, at codon 769 of the DSG1 protein (p.Pro769Thr). This variant is present in population databases (no rsID available, gnomAD 0.004%). This variant has not been reported in the literature in individuals affected with DSG1-related conditions. ClinVar contains an entry for this variant (Variation ID: 1460650). Invitae Evidence Modeling of protein sequence and biophysical properties (such as structural, functional, and spatial information, amino acid conservation, physicochemical variation, residue mobility, and thermodynamic stability) indicates that this missense variant is not expected to disrupt DSG1 protein function with a negative predictive value of 80%. In summary, the available evidence is currently insufficient to determine the role of this variant in disease. Therefore, it has been classified as a Variant of Uncertain Significance.

NM_001942.4(DSG1):c.2305C>A (p.Pro769Thr)

Genes: DSG1 (desmoglein 1; plus strand), DSG1-AS1 (DSG1 antisense RNA 1; minus strand), LOC126862720 (MED14-independent group 3 enhancer GRCh37_chr18:28933613-28934812; plus strand). Cytogenetic location: 18q12.1.
Variant type: single nucleotide variant.
Coding change: c.2305C>A on transcript NM_001942.4 (MANE Select); coding-DNA position 2305, C replaced by A.
Protein change: p.Pro769Thr; replaces proline 769 with threonine.
Molecular consequence: missense variant.
Genome position (GRCh38, 1-based): chr18:31,354,501, C>A. VCF-style: chr18-31354501-C-A. GRCh37 (hg19) VCF-style: chr18-28934464-C-A.
Other names: short protein forms P769T.
Identifiers: ClinVar variation 1460650 (VCV001460650.8), dbSNP rs371822501, ClinGen allele CA402122055.
Genomic context (GRCh38, chr18:31,354,501, plus strand): 5'-GATACCCTGGGACCTAAATTTAAGAAGTTGGCAGACATCAGCCTAGGAAAAGAATCATAT[C>A]CAGACCTTGATCCTTCTTGGCCACCACAAAGCACTGAACCAGTTTGCCTTCCTCAGGAAA-3'
Protein context (NP_001933.2, residues 759-779): ADISLGKESY[Pro769Thr]DLDPSWPPQS